The following is an entry in ClinVar:

NM_004456.5(EZH2):c.118-63G>A

Gene: EZH2 (enhancer of zeste 2 polycomb repressive complex 2 subunit; minus strand). Cytogenetic location: 7q36.1.
Variant type: single nucleotide variant.
Coding change: c.118-63G>A on transcript NM_004456.5 (MANE Select); 63 bases into the intron before coding-DNA position 118, G replaced by A.
Molecular consequence: intron variant.
Genome position (GRCh38, 1-based): chr7:148,846,661, C>T on the plus strand (G>A on the coding strand, the complement: EZH2 is on the minus strand). VCF-style: chr7-148846661-C-T. GRCh37 (hg19) VCF-style: chr7-148543753-C-T.
Other names: c.118-63G>A (NM_001203248.2, NM_152998.3, NM_001203247.2 and 1 more transcripts).
Identifiers: ClinVar variation 681701 (VCV000681701.2), dbSNP rs28723387, ClinGen allele CA15492306.
Genomic context (GRCh38, chr7:148,846,661, plus strand): 5'-TAAAAAAAAAAATGAAGGAGAGGAAAGGAGAAATTGTTCATTGTTAGAAAATGTATAACA[C>T]CTGTAAAGCAGGTTAAAAATCTAGTGTATCCTCAAAAATATCAAGAACATTTTCTTAGGT-3'

ClinVar aggregate classification (germline): Benign. Review status: criteria provided, multiple submitters, no conflicts (2 of 4 stars). 2 submissions from 2 submitters: Benign (2). Last evaluated 2018-06-14.

Allele frequency attached by ClinVar (database versions not stated): gnomAD 0.15861 and 0.16038; TOPMed 0.17024; 1000 Genomes Project 30x 0.18910; 1000 Genomes Project 0.19309.
gnomAD v4.1: 219,217 of 1,458,910 alleles (15%); highest among the groups gnomAD compares: Admixed American, 23%; 17,383 homozygotes.

Submissions (2):

GeneDx
Classification: Benign. Last evaluated: 2018-06-14. Review status: criteria provided, single submitter. Criteria: GeneDx Variant Classification (06012015). Collection method: clinical testing. Allele origin: germline. Affected: yes.
Comment: This variant is considered likely benign or benign based on one or more of the following criteria: it is a conservative change, it occurs at a poorly conserved position in the protein, it is predicted to be benign by multiple in silico algorithms, and/or has population frequency not consistent with disease.

Breakthrough Genomics
Classification: Benign. Review status: criteria provided, single submitter. Criteria: ACMG Guidelines, 2015. Collection method: not provided. Allele origin: germline. Inheritance: Autosomal dominant inheritance. Affected: yes.